The following is an entry in ClinVar:

NM_001267550.2(TTN):c.11312-3950T>G

Gene: TTN (titin; minus strand). Cytogenetic location: 2q31.2.
Variant type: single nucleotide variant.
Coding change: c.11312-3950T>G on transcript NM_001267550.2 (MANE Select); 3950 bases into the intron before coding-DNA position 11312, T replaced by G.
Molecular consequence: intron variant. On other transcripts: missense variant (1).
Genome position (GRCh38, 1-based): chr2:178,745,871, A>C on the plus strand (T>G on the coding strand, the complement: TTN is on the minus strand). VCF-style: chr2-178745871-A-C. GRCh37 (hg19) VCF-style: chr2-179610598-A-C.
Other names: c.16529T>G, p.Val5510Gly (NM_133379.5); c.10223-3950T>G (NM_003319.4); c.10799-3950T>G (NM_133437.4); c.10598-3950T>G (NM_133432.3); c.10360+7253T>G (NM_133378.4); c.10361-3950T>G (NM_001256850.1); short protein forms V5510G.
Identifiers: ClinVar variation 4986094 (VCV004986094.1).

ClinVar aggregate classification (germline): Uncertain significance (1 of 4 stars; one submission).

Conditions:
TTN-related disorder. Also called: TTN-related disorders; TTN-related condition; TTN-related disease.

gnomAD v4.1: 22 of 1,612,538 alleles (0.0014%); highest among the groups gnomAD compares: Non-Finnish European, 0.0019%; no homozygotes.

Submission:

PreventionGenetics, part of Exact Sciences
Classification: Uncertain significance for TTN-related condition. Last evaluated: 2025-10-14. Review status: criteria provided, single submitter. Criteria: ACMG Guidelines, 2015. Collection method: clinical testing. Allele origin: germline.
Comment: The TTN c.11312-3950T>G variant is predicted to interfere with splicing. This variant is also referred to as c.16529T>G (p.Val5510Gly) in the Novex-3 transcript NM_133379. This variant is located in exon 46 of the Novex-3 transcript (minor small cardiac isoform) which is the last exon of this transcript. This exon is not included in any other TTN transcripts (principle cardiac or skeletal muscle isoforms). To our knowledge, this variant has not been reported in the literature or in a large population database (gnomAD), indicating this variant is rare. At this time, the clinical significance of this variant is uncertain due to the absence of conclusive functional and genetic evidence.